The following is an entry in ClinVar:

ClinVar aggregate classification (germline): Uncertain significance (1 of 4 stars; one submission).

Allele frequency attached by ClinVar (database versions not stated): ExAC 0.00001; gnomAD exomes 0.00002.
gnomAD v4.1: 34 of 1,613,000 alleles (0.0021%); highest among the groups gnomAD compares: Admixed American, 0.0067%; no homozygotes.

Submission:

Labcorp Genetics (formerly Invitae), Labcorp
Classification: Uncertain significance. Last evaluated: 2022-06-05. Review status: criteria provided, single submitter. Criteria: Invitae Variant Classification Sherloc (09022015). Collection method: clinical testing. Allele origin: germline.
Comment: This sequence change replaces arginine, which is basic and polar, with glutamine, which is neutral and polar, at codon 118 of the HPCA protein (p.Arg118Gln). This variant is present in population databases (rs747220833, gnomAD 0.01%). This variant has not been reported in the literature in individuals affected with HPCA-related conditions. Algorithms developed to predict the effect of missense changes on protein structure and function (SIFT, PolyPhen-2, Align-GVGD) all suggest that this variant is likely to be tolerated. In summary, the available evidence is currently insufficient to determine the role of this variant in disease. Therefore, it has been classified as a Variant of Uncertain Significance.

NM_002143.3(HPCA):c.353G>A (p.Arg118Gln)

Gene: HPCA (hippocalcin; plus strand). Cytogenetic location: 1p35.1.
Variant type: single nucleotide variant.
Coding change: c.353G>A on transcript NM_002143.3 (MANE Select); coding-DNA position 353, G replaced by A.
Protein change: p.Arg118Gln; replaces arginine 118 with glutamine.
Molecular consequence: missense variant.
Genome position (GRCh38, 1-based): chr1:32,889,251, G>A. VCF-style: chr1-32889251-G-A. GRCh37 (hg19) VCF-style: chr1-33354852-G-A.
Other names: short protein forms R118Q.
Identifiers: ClinVar variation 2195435 (VCV002195435.1), dbSNP rs747220833, ClinGen allele CA745897.
Genomic context (GRCh38, chr1:32,889,251, plus strand): 5'-AGCAGAAGCTCATGTGGGCCTTCAGCATGTATGACCTGGACGGCAACGGCTACATCAGCC[G>A]GGAGGAGATGCTGGAGATCGTGCAGGTGGGCCCCTGGGCCCCTCAGAATGCCAGGCACAG-3'
Protein context (NP_002134.2, residues 108-128): YDLDGNGYIS[Arg118Gln]EEMLEIVQAI